The following is an entry in ClinVar:

NM_000152.5(GAA):c.271G>A (p.Asp91Asn)

Gene: GAA (alpha glucosidase; plus strand). Cytogenetic location: 17q25.3.
Variant type: single nucleotide variant.
Coding change: c.271G>A on transcript NM_000152.5 (MANE Select); coding-DNA position 271, G replaced by A.
Protein change: p.Asp91Asn; replaces aspartic acid 91 with asparagine.
Molecular consequence: missense variant.
Genome position (GRCh38, 1-based): chr17:80,104,857, G>A. VCF-style: chr17-80104857-G-A. GRCh37 (hg19) VCF-style: chr17-78078656-G-A.
Other names: c.271G>A, p.Asp91Asn (LRG_673t1, NM_001079803.3, NM_001079804.3); short protein forms D91N.
Identifiers: ClinVar variation 4020 (VCV000004020.42), dbSNP rs1800299, ClinGen allele CA116586.
Genomic context (GRCh38, chr17:80,104,857, plus strand): 5'-CACCCCGGCCGTCCCAGAGCAGTGCCCACACAGTGCGACGTCCCCCCCAACAGCCGCTTC[G>A]ATTGCGCCCCTGACAAGGCCATCACCCAGGAACAGTGCGAGGCCCGCGGCTGTTGCTACA-3'
Protein context (NP_000143.2, residues 81-101): QCDVPPNSRF[Asp91Asn]CAPDKAITQE

ClinVar aggregate classification (germline): Benign/Likely benign; other. Review status: criteria provided, multiple submitters, no conflicts (2 of 4 stars). 16 submissions from 16 submitters: Benign (7); Likely benign (4). 3 of the submissions do not count toward it. Last evaluated 2026-07-01.

Conditions:
Cardiovascular phenotype. Identifiers: MedGen CN230736.
Acid alpha-glucosidase, allele 2. Identifiers: MedGen C4016979.
Glycogen storage disease, type II (IOPD). Also called: GLYCOGENOSIS, GENERALIZED, CARDIAC FORM; GSD II; ACID MALTASE DEFICIENCY, INFANTILE-ONSET; Glucosidase acid-1,4-alpha deficiency; CARDIOMEGALIA GLYCOGENICA DIFFUSA; Glycogen storage disease type 2. Identifiers: Orphanet 365, MedGen C0017921, MONDO:0009290, OMIM 232300.

Allele frequency attached by ClinVar (database versions not stated): TOPMed 0.02027; gnomAD 0.02127 and 0.02215; 1000 Genomes Project 0.01158; 1000 Genomes Project 30x 0.01218; gnomAD exomes 0.02922.
gnomAD v4.1: 45,579 of 1,612,872 alleles (2.8%); highest among the groups gnomAD compares: Non-Finnish European, 3.4%; 807 homozygotes.

Submissions (16):

Genomenon, Inc
Classification: Benign for Glycogen storage disease, type II. Last evaluated: 2026-07-01. Review status: criteria provided, single submitter. Criteria: Genomenon Sequence Variant Interpretation Standards - Updated. Collection method: curation. Allele origin: germline. Affected: no.
Comment: GAA p.Asp91Asn (c.271G>A) is a missense variant that changes the amino acid at codon 91 from Aspartic acid to Asparagine. This variant is present at high allele frequency in population databases. We classify GAA p.Asp91Asn (c.271G>A) as a benign variant.

ARUP Laboratories, Molecular Genetics and Genomics, ARUP Laboratories
Classification: Benign for Glycogen storage disease, type II. Last evaluated: 2025-07-08. Review status: criteria provided, single submitter. Criteria: ARUP Molecular Germline Variant Investigation Process 2024. Collection method: clinical testing. Allele origin: germline.

Blueprint Genetics
Classification: Likely benign. Last evaluated: 2024-11-27. Review status: criteria provided, single submitter. Criteria: ACMG Guidelines, 2015. Collection method: clinical testing. Allele origin: germline.

Genome-Nilou Lab
Classification: Benign for Glycogen storage disease, type II. Last evaluated: 2021-06-10. Review status: criteria provided, single submitter. Criteria: ACMG Guidelines, 2015. Collection method: clinical testing. Allele origin: germline. Affected: no.

Labcorp Genetics (formerly Invitae), Labcorp
Classification: other for Glycogen storage disease, type II. Last evaluated: 2019-01-02. Review status: criteria provided, single submitter. Criteria: Invitae Variant Classification Sherloc (09022015). Collection method: clinical testing. Allele origin: germline.

Illumina Laboratory Services, Illumina
Classification: Likely benign for Glycogen storage disease, type II. Last evaluated: 2018-01-12. Review status: criteria provided, single submitter. Criteria: ICSL Variant Classification Criteria 13 December 2019. Collection method: clinical testing. Allele origin: germline.
Comment: This variant was observed in the ICSL laboratory as part of a predisposition screen in an ostensibly healthy population. It had not been previously curated by ICSL or reported in the Human Gene Mutation Database (HGMD: prior to June 1st, 2018), and was therefore a candidate for classification through an automated scoring system. Utilizing variant allele frequency, disease prevalence and penetrance estimates, and inheritance mode, an automated score was calculated to assess if this variant is too frequent to cause the disease. Based on the score and internal cut-off values, a variant classified as likely benign is not then subjected to further curation. The score for this variant resulted in a classification of likely benign for this disease.

GeneDx
Classification: Benign. Last evaluated: 2018-01-04. Review status: criteria provided, single submitter. Criteria: GeneDx Variant Classification Process June 2021. Collection method: clinical testing. Allele origin: germline. Affected: yes.
Comment: Associated with pseudodeficiency of alpha-glucosidase enzyme. Homozygosity for D91N or compound heterozygosity for D91N and a pathogenic variant results in low enzyme activity but no clinical symptoms of Pompe disease (Martiniuk et al., 1990; Tajima et al., 2007; Kroos et al., 2008); This variant is associated with the following publications: (PMID: 31301153, 29181627, 25998610, 20080426, 2203258)

Eurofins Ntd Llc (ga)
Classification: other. Last evaluated: 2017-12-14. Review status: criteria provided, single submitter. Criteria: EGL Classification Definitions 2015. Collection method: clinical testing. Allele origin: germline. Observed: 300 variant alleles, 293 heterozygotes, 7 homozygotes.

Stanford Center for Inherited Cardiovascular Disease, Stanford University
Classification: Benign. Last evaluated: 2017-06-02. Review status: criteria provided, single submitter. Criteria: ACMG Guidelines, 2015. Collection method: provider interpretation. Allele origin: germline.

Department of Pathology and Laboratory Medicine, Sinai Health System
Classification: Likely benign for Glycogen storage disease, type II. Last evaluated: 2015-12-29. Review status: criteria provided, single submitter. Criteria: ACMG Guidelines, 2015. Collection method: clinical testing. Allele origin: germline.

Ambry Genetics
Classification: Benign for Cardiovascular phenotype. Last evaluated: 2015-12-28. Review status: criteria provided, single submitter. Criteria: Ambry Variant Classification Scheme 2023. Collection method: clinical testing. Allele origin: germline.

Breakthrough Genomics
Classification: Likely benign. Review status: criteria provided, single submitter. Criteria: ACMG Guidelines, 2015. Collection method: not provided. Allele origin: germline. Inheritance: Autosomal recessive inheritance. Affected: yes.

PreventionGenetics, part of Exact Sciences
Classification: Benign. Review status: criteria provided, single submitter. Criteria: ACMG Guidelines, 2015. Collection method: clinical testing. Allele origin: germline.

Natera, Inc.
Classification: Benign for Glycogen storage disease type II. Last evaluated: 2020-06-03. Review status: no assertion criteria provided. Collection method: clinical testing. Allele origin: germline. Not counted in ClinVar's aggregate classification.

OMIM
Classification: Benign for ACID ALPHA-GLUCOSIDASE, ALLELE 2. Last evaluated: 2012-10-28. Review status: no assertion criteria provided. Collection method: literature only. Allele origin: germline. Not counted in ClinVar's aggregate classification.

Genetic Services Laboratory, University of Chicago
Classification: Likely benign for AllHighlyPenetrant. Review status: no assertion criteria provided. Collection method: clinical testing. Allele origin: germline. Inheritance: Autosomal recessive inheritance. Not counted in ClinVar's aggregate classification.
Comment: Likely benign based on allele frequency in 1000 Genomes Project or ESP global frequency and its presence in a patient with a rare or unrelated disease phenotype. NOT Sanger confirmed.

Literature cited by the submitters: PubMed 2203258 (cited by Department of Pathology and Laboratory Medicine, Sinai Health System and OMIM).